The following is an entry in ClinVar:

ClinVar aggregate classification (germline): Conflicting classifications of pathogenicity. Review status: criteria provided, conflicting classifications (1 of 4 stars). 3 submissions from 3 submitters: Uncertain significance (1); Likely benign (1). 1 of the submissions does not count toward it. Last evaluated 2025-11-21.

Conditions:
Hereditary cancer-predisposing syndrome. Also called: Hereditary Cancer Syndrome; Neoplastic Syndromes, Hereditary; Hereditary neoplastic syndrome; Tumor predisposition. Identifiers: Orphanet 140162, MedGen C0027672, MeSH D009386, MONDO:0015356.
Ataxia-telangiectasia syndrome (AT). Also called: Cerebello-oculocutaneous telangiectasia; Immunodeficiency with ataxia telangiectasia; Ataxia-telangiectasia, complementation group E; Ataxia-telangiectasia, complementation group D; AT, COMPLEMENTATION GROUP C; ATAXIA-TELANGIECTASIA, COMPLEMENTATION GROUP A. Identifiers: Orphanet 100, MedGen C0004135, MONDO:0008840, OMIM 208900.

Submissions (3):

Labcorp Genetics (formerly Invitae), Labcorp
Classification: Uncertain significance for Ataxia-telangiectasia syndrome. Last evaluated: 2025-11-21. Review status: criteria provided, single submitter. Criteria: Invitae Variant Classification Sherloc (09022015). Collection method: clinical testing. Allele origin: germline.
Comment: This sequence change replaces alanine, which is neutral and non-polar, with valine, which is neutral and non-polar, at codon 823 of the ATM protein (p.Ala823Val). This variant is not present in population databases (gnomAD no frequency). This variant has not been reported in the literature in individuals affected with ATM-related conditions. ClinVar contains an entry for this variant (Variation ID: 821328). An algorithm developed to predict the effect of missense changes on protein structure and function outputs the following: PolyPhen-2: "Benign". The valine amino acid residue is found in multiple mammalian species, which suggests that this missense change does not adversely affect protein function. In summary, the available evidence is currently insufficient to determine the role of this variant in disease. Therefore, it has been classified as a Variant of Uncertain Significance.

Ambry Genetics
Classification: Likely benign for Hereditary cancer-predisposing syndrome. Last evaluated: 2025-02-20. Review status: criteria provided, single submitter. Criteria: Ambry Variant Classification Scheme 2023. Collection method: clinical testing. Allele origin: germline.

Natera, Inc.
Classification: Uncertain significance for Ataxia-telangiectasia. Last evaluated: 2025-01-16. Review status: no assertion criteria provided. Collection method: clinical testing. Allele origin: germline. Not counted in ClinVar's aggregate classification.

NM_000051.4(ATM):c.2468C>T (p.Ala823Val)

Gene: ATM (ATM serine/threonine kinase; plus strand). Cytogenetic location: 11q22.3.
Variant type: single nucleotide variant.
Coding change: c.2468C>T on transcript NM_000051.4 (MANE Select); coding-DNA position 2468, C replaced by T.
Protein change: p.Ala823Val; replaces alanine 823 with valine.
Molecular consequence: missense variant.
Genome position (GRCh38, 1-based): chr11:108,267,172, C>T. VCF-style: chr11-108267172-C-T. GRCh37 (hg19) VCF-style: chr11-108137899-C-T.
Other names: c.2468C>T, p.Ala823Val (NM_001351834.2); short protein forms A823V.
Identifiers: ClinVar variation 821328 (VCV000821328.7), dbSNP rs1591587044, ClinGen allele CA382543100.